The following is an entry in ClinVar:

ClinVar aggregate classification (germline): Likely benign. Review status: criteria provided, single submitter (1 of 4 stars). 2 submissions from 2 submitters: Likely benign (1). 1 of the submissions does not count toward it. Last evaluated 2024-01-12.

Conditions:
Jeune thoracic dystrophy. Also called: Short-rib thoracic dysplasia; Jeune syndrome; Infantile thoracic dystrophy; Thoracic pelvic phalangeal dystrophy; Jeune's syndrome; Chondroectodermal dysplasia-like syndrome. Identifiers: Orphanet 474, MedGen C0265275, MONDO:0018770.
DYNC2H1-related disorder. Also called: DYNC2H1-related disorders; DYNC2H1-related condition. Identifiers: MedGen CN378770.

Allele frequency attached by ClinVar (database versions not stated): gnomAD 0.00001; gnomAD exomes 0.00001; TOPMed 0.00001; ExAC 0.00002.
gnomAD v4.1: 22 of 1,604,368 alleles (0.0014%); highest among the groups gnomAD compares: Non-Finnish European, 0.0015%; no homozygotes.

Submissions (2):

Labcorp Genetics (formerly Invitae), Labcorp
Classification: Likely benign for Jeune thoracic dystrophy. Last evaluated: 2024-01-12. Review status: criteria provided, single submitter. Criteria: Invitae Variant Classification Sherloc (09022015). Collection method: clinical testing. Allele origin: germline.

PreventionGenetics, part of Exact Sciences
Classification: Likely benign for DYNC2H1-related condition. Last evaluated: 2019-06-18. Review status: no assertion criteria provided. Collection method: clinical testing. Allele origin: germline. Not counted in ClinVar's aggregate classification.
Comment: This variant is classified as likely benign based on ACMG/AMP sequence variant interpretation guidelines (Richards et al. 2015 PMID: 25741868, with internal and published modifications).

NM_001377.3(DYNC2H1):c.11095+9G>A

Gene: DYNC2H1 (dynein cytoplasmic 2 heavy chain 1; plus strand). Cytogenetic location: 11q22.3.
Variant type: single nucleotide variant.
Coding change: c.11095+9G>A on transcript NM_001377.3 (MANE Select); 9 bases into the intron after coding-DNA position 11095, G replaced by A.
Molecular consequence: intron variant.
Genome position (GRCh38, 1-based): chr11:103,287,614, G>A. VCF-style: chr11-103287614-G-A. GRCh37 (hg19) VCF-style: chr11-103158343-G-A.
Other names: c.11116+9G>A (NM_001080463.2).
Identifiers: ClinVar variation 774211 (VCV000774211.8), dbSNP rs748308021, ClinGen allele CA6255153.